The following is an entry in ClinVar:

NM_001365951.3(KIF1B):c.5173G>C (p.Val1725Leu)

Gene: KIF1B (kinesin family member 1B; plus strand). Cytogenetic location: 1p36.22.
Variant type: single nucleotide variant.
Coding change: c.5173G>C on transcript NM_001365951.3 (MANE Select); coding-DNA position 5173, G replaced by C.
Protein change: p.Val1725Leu; replaces valine 1725 with leucine.
Molecular consequence: missense variant.
Genome position (GRCh38, 1-based): chr1:10,374,930, G>C. VCF-style: chr1-10374930-G-C. GRCh37 (hg19) VCF-style: chr1-10434988-G-C.
Other names: c.5173G>C, p.Val1725Leu (NM_001365952.1); c.5035G>C, p.Val1679Leu (NM_015074.3); short protein forms V1725L, V1679L.
Identifiers: ClinVar variation 4092399 (VCV004092399.1).
Genomic context (GRCh38, chr1:10,374,930, plus strand): 5'-AAAGGATACCTTCATTTCAAGGAGCCTCTTTACAGTAACTGGGCTAAACATTTTGTTGTC[G>C]TCCGTCGGCCTTATGTCTTCATCTATAACAGTGACAAAGACCCTGTGGAGCGTGGAATCA-3'
Protein context (NP_001352880.1, residues 1715-1735): YSNWAKHFVV[Val1725Leu]RRPYVFIYNS

ClinVar aggregate classification (germline): Uncertain significance (1 of 4 stars; one submission).

Submission:

Ambry Genetics
Classification: Uncertain significance. Last evaluated: 2025-09-07. Review status: criteria provided, single submitter. Criteria: Ambry Variant Classification Scheme 2023. Collection method: clinical testing. Allele origin: germline.
Comment: The p.V1679L variant (also known as c.5035G>C), located in coding exon 44 of the KIF1B gene, results from a G to C substitution at nucleotide position 5035. The valine at codon 1679 is replaced by leucine, an amino acid with highly similar properties. This amino acid position is conserved. In addition, the in silico prediction for this alteration is inconclusive. Based on the available evidence, the clinical significance of this variant remains unclear.